The following is an entry in ClinVar:

ClinVar aggregate classification (germline): Uncertain significance (1 of 4 stars; one submission).

Submission:

Labcorp Genetics (formerly Invitae), Labcorp
Classification: Uncertain significance. Last evaluated: 2025-06-12. Review status: criteria provided, single submitter. Criteria: Invitae Variant Classification Sherloc (09022015). Collection method: clinical testing. Allele origin: germline.
Comment: This sequence change replaces alanine, which is neutral and non-polar, with valine, which is neutral and non-polar, at codon 27 of the SLC36A2 protein (p.Ala27Val). This variant is not present in population databases (gnomAD no frequency). This variant has not been reported in the literature in individuals affected with SLC36A2-related conditions. ClinVar contains an entry for this variant (Variation ID: 2788487). An algorithm developed to predict the effect of missense changes on protein structure and function (PolyPhen-2) suggests that this variant is likely to be tolerated. In summary, the available evidence is currently insufficient to determine the role of this variant in disease. Therefore, it has been classified as a Variant of Uncertain Significance.

NM_181776.3(SLC36A2):c.80C>T (p.Ala27Val)

Genes: SLC36A1 (solute carrier family 36 member 1; plus strand), SLC36A2 (solute carrier family 36 member 2; minus strand). Cytogenetic location: 5q33.1.
Variant type: single nucleotide variant.
Coding change: c.80C>T on transcript NM_181776.3 (MANE Select); coding-DNA position 80, C replaced by T.
Protein change: p.Ala27Val; replaces alanine 27 with valine.
Molecular consequence: missense variant.
Genome position (GRCh38, 1-based): chr5:151,347,381, G>A on the plus strand (C>T on the coding strand, the complement: SLC36A2 is on the minus strand). VCF-style: chr5-151347381-G-A. GRCh37 (hg19) VCF-style: chr5-150726942-G-A.
Other names: short protein forms A27V.
Identifiers: ClinVar variation 2788487 (VCV002788487.3), dbSNP rs2479841122, ClinGen allele CA361821229.